The following is an entry in ClinVar:

NM_000936.4(PNLIP):c.1060+1G>A

Gene: PNLIP (pancreatic lipase; plus strand). Cytogenetic location: 10q25.3.
Variant type: single nucleotide variant.
Coding change: c.1060+1G>A on transcript NM_000936.4 (MANE Select); the canonical splice donor site of the intron after coding-DNA position 1060, G replaced by A.
Molecular consequence: splice donor variant.
Genome position (GRCh38, 1-based): chr10:116,559,284, G>A. VCF-style: chr10-116559284-G-A. GRCh37 (hg19) VCF-style: chr10-118318796-G-A.
Identifiers: ClinVar variation 3654926 (VCV003654926.2).

ClinVar aggregate classification (germline): Likely pathogenic (1 of 4 stars; one submission).

gnomAD v4.1: 19 of 1,605,802 alleles (0.0012%); highest among the groups gnomAD compares: East Asian, 0.0067%; no homozygotes.

Submission:

Labcorp Genetics (formerly Invitae), Labcorp
Classification: Likely pathogenic. Last evaluated: 2024-04-25. Review status: criteria provided, single submitter. Criteria: Invitae Variant Classification Sherloc (09022015). Collection method: clinical testing. Allele origin: germline.
Comment: This sequence change affects a donor splice site in intron 10 of the PNLIP gene. It is expected to disrupt RNA splicing. Variants that disrupt the donor or acceptor splice site typically lead to a loss of protein function (PMID: 16199547), and loss-of-function variants in PNLIP are known to be pathogenic (PMID: 31977950, 35284057). This variant is present in population databases (rs565045209, gnomAD 0.005%). This variant has not been reported in the literature in individuals affected with PNLIP-related conditions. Algorithms developed to predict the effect of sequence changes on RNA splicing suggest that this variant may disrupt the consensus splice site. In summary, the currently available evidence indicates that the variant is pathogenic, but additional data are needed to prove that conclusively. Therefore, this variant has been classified as Likely Pathogenic.

Literature cited by the submitters: PubMed 16199547; PubMed 31977950; PubMed 35284057.